The following is an entry in ClinVar:

NM_052947.4(ALPK2):c.2558G>A (p.Cys853Tyr)

Gene: ALPK2 (alpha kinase 2; minus strand). Cytogenetic location: 18q21.31.
Variant type: single nucleotide variant.
Coding change: c.2558G>A on transcript NM_052947.4 (MANE Select); coding-DNA position 2558, G replaced by A.
Protein change: p.Cys853Tyr; replaces cysteine 853 with tyrosine.
Molecular consequence: missense variant.
Genome position (GRCh38, 1-based): chr18:58,537,629, C>T on the plus strand (G>A on the coding strand, the complement: ALPK2 is on the minus strand). VCF-style: chr18-58537629-C-T. GRCh37 (hg19) VCF-style: chr18-56204861-C-T.
Other names: short protein forms C853Y.
Identifiers: ClinVar variation 1793036 (VCV001793036.2), dbSNP rs1201619022, ClinGen allele CA402570272.

ClinVar aggregate classification (germline): Uncertain significance (1 of 4 stars; one submission).

Allele frequency attached by ClinVar (database versions not stated): gnomAD exomes below 0.00001.
gnomAD v4.1: 4 of 1,613,536 alleles (0.00025%); highest among the groups gnomAD compares: East Asian, 0.0022%; no homozygotes.

Submission:

Ambry Genetics
Classification: Uncertain significance. Last evaluated: 2024-02-17. Review status: criteria provided, single submitter. Criteria: Ambry Variant Classification Scheme 2023. Collection method: clinical testing. Allele origin: germline.
Comment: The p.C853Y variant (also known as c.2558G>A), located in coding exon 4 of the ALPK2 gene, results from a G to A substitution at nucleotide position 2558. The cysteine at codon 853 is replaced by tyrosine, an amino acid with highly dissimilar properties. This amino acid position is conserved. In addition, this alteration is predicted to be tolerated by in silico analysis. Since supporting evidence is limited at this time, the clinical significance of this alteration remains unclear.